The following is an entry in ClinVar:

ClinVar aggregate classification (germline): Pathogenic (1 of 4 stars; one submission).

Submission:

Labcorp Genetics (formerly Invitae), Labcorp
Classification: Pathogenic. Last evaluated: 2023-08-04. Review status: criteria provided, single submitter. Criteria: Invitae Variant Classification Sherloc (09022015). Collection method: clinical testing. Allele origin: germline.
Comment: For these reasons, this variant has been classified as Pathogenic. This variant disrupts a region of the SAR1B protein in which other variant(s) (p.Ser179Arg) have been determined to be pathogenic (PMID: 17945526). This suggests that this is a clinically significant region of the protein, and that variants that disrupt it are likely to be disease-causing. This variant has not been reported in the literature in individuals affected with SAR1B-related conditions. This variant is a gross deletion of the genomic region encompassing exon(s) 5-8 of the SAR1B gene, which includes the termination codon. This deletion extends beyond the assayed region for this gene and therefore may encompass additional genes. While this deletion is not anticipated to lead to nonsense mediated decay, it is expected to alter mRNA translation or result in a truncated protein product.

Literature cited by the submitters: PubMed 17945526.

NC_000005.9:g.(?_133942640)_(133948466_?)del

Gene: SAR1B (secretion associated Ras related GTPase 1B; minus strand). Cytogenetic location: 5q31.1.
Variant type: Deletion.
Identifiers: ClinVar variation 2423510 (VCV002423510.4).